The following is an entry in ClinVar:

ClinVar aggregate classification (germline): Uncertain significance (1 of 4 stars; one submission).

Conditions:
Benign neonatal seizures. Also called: Benign familial neonatal seizures; Benign neonatal familial convulsions; Convulsions benign familial neonatal dominant form; Autosomal dominant form of benign neonatal seizures; Benign familial neonatal epilepsy. Identifiers: Orphanet 1949, MedGen C0220669, MONDO:0016027.

Allele frequency attached by ClinVar (database versions not stated): gnomAD exomes below 0.00001; ExAC 0.00001; ESP Exome Variant Server 0.00008.
gnomAD v4.1: 1 of 1,614,220 alleles (0.000062%); highest among the groups gnomAD compares: African/African-American, 0.0013%; no homozygotes.

Submission:

Labcorp Genetics (formerly Invitae), Labcorp
Classification: Uncertain significance for Benign neonatal seizures. Last evaluated: 2022-05-12. Review status: criteria provided, single submitter. Criteria: Invitae Variant Classification Sherloc (09022015). Collection method: clinical testing. Allele origin: germline.
Comment: This variant is present in population databases (rs368378896, gnomAD 0.007%). This sequence change replaces serine, which is neutral and polar, with arginine, which is basic and polar, at codon 808 of the KCNQ3 protein (p.Ser808Arg). This variant has not been reported in the literature in individuals affected with KCNQ3-related conditions. Algorithms developed to predict the effect of missense changes on protein structure and function are either unavailable or do not agree on the potential impact of this missense change (SIFT: "Deleterious"; PolyPhen-2: "Probably Damaging"; Align-GVGD: "Class C0"). In summary, the available evidence is currently insufficient to determine the role of this variant in disease. Therefore, it has been classified as a Variant of Uncertain Significance.

NM_004519.4(KCNQ3):c.2424C>G (p.Ser808Arg)

Gene: KCNQ3 (potassium voltage-gated channel subfamily Q member 3; minus strand). Cytogenetic location: 8q24.22.
Variant type: single nucleotide variant.
Coding change: c.2424C>G on transcript NM_004519.4 (MANE Select); coding-DNA position 2424, C replaced by G.
Protein change: p.Ser808Arg; replaces serine 808 with arginine.
Molecular consequence: missense variant.
Genome position (GRCh38, 1-based): chr8:132,129,457, G>C on the plus strand (C>G on the coding strand, the complement: KCNQ3 is on the minus strand). VCF-style: chr8-132129457-G-C. GRCh37 (hg19) VCF-style: chr8-133141704-G-C.
Other names: c.2064C>G, p.Ser688Arg (NM_001204824.2); short protein forms S688R, S808R.
Identifiers: ClinVar variation 1993806 (VCV001993806.4), dbSNP rs368378896, ClinGen allele CA4880446.
Genomic context (GRCh38, chr8:132,129,457, plus strand): 5'-CCTCATCCAGCTCGACCCCCCATTGGGGCCGAACACATAATCATCTCTGTCCTGGGAGAT[G>C]CTGAAGCCACTTGGAGACCTCTCCAGCTCCTCGTGGTTGACCGACATCAGGGACAGAGGT-3'
Protein context (NP_004510.1, residues 798-818): EELERSPSGF[Ser808Arg]ISQDRDDYVF